The following is an entry in ClinVar:

ClinVar aggregate classification (germline): Uncertain significance (1 of 4 stars; one submission).

Conditions:
Hypertrophic cardiomyopathy. Also called: HYPERTROPHIC MYOCARDIOPATHY. Identifiers: Orphanet 217569, MedGen C0007194, MeSH D002312, MONDO:0005045, HP:0001639.

Submission:

Labcorp Genetics (formerly Invitae), Labcorp
Classification: Uncertain significance for Hypertrophic cardiomyopathy. Last evaluated: 2022-05-04. Review status: criteria provided, single submitter. Criteria: Invitae Variant Classification Sherloc (09022015). Collection method: clinical testing. Allele origin: germline.
Comment: This sequence change replaces valine, which is neutral and non-polar, with leucine, which is neutral and non-polar, at codon 1270 of the MYH7 protein (p.Val1270Leu). This variant is not present in population databases (gnomAD no frequency). This variant has not been reported in the literature in individuals affected with MYH7-related conditions. Algorithms developed to predict the effect of missense changes on protein structure and function output the following: SIFT: "Deleterious"; PolyPhen-2: "Benign"; Align-GVGD: "Class C0". The leucine amino acid residue is found in multiple mammalian species, which suggests that this missense change does not adversely affect protein function. In summary, the available evidence is currently insufficient to determine the role of this variant in disease. Therefore, it has been classified as a Variant of Uncertain Significance.

NM_000257.4(MYH7):c.3808G>C (p.Val1270Leu)

Gene: MYH7 (myosin heavy chain 7; minus strand). Cytogenetic location: 14q11.2.
Variant type: single nucleotide variant.
Coding change: c.3808G>C on transcript NM_000257.4 (MANE Select); coding-DNA position 3808, G replaced by C.
Protein change: p.Val1270Leu; replaces valine 1270 with leucine.
Molecular consequence: missense variant.
Genome position (GRCh38, 1-based): chr14:23,419,528, C>G on the plus strand (G>C on the coding strand, the complement: MYH7 is on the minus strand). VCF-style: chr14-23419528-C-G. GRCh37 (hg19) VCF-style: chr14-23888737-C-G.
Other names: c.3808G>C, p.Val1270Leu (NM_001407004.1); short protein forms V1270L.
Identifiers: ClinVar variation 2130572 (VCV002130572.4), dbSNP rs2502261825, ClinGen allele CA389042018.
Genomic context (GRCh38, chr14:23,419,528, plus strand): 5'-CTGCTCTAGGCTCACCATTCTCGGTTTGCAACTTGGCCCGCTGGCTGGTGAGGTCGTTGA[C>G]AGAACGCTGGGTCTCCTCCGCCTTGCTCCGGTGCTCATTCATCTGGTCTTCCAAGGTCCG-3'
Protein context (NP_000248.2, residues 1260-1280): RSKAEETQRS[Val1270Leu]NDLTSQRAKL